The following is an entry in ClinVar:

NM_001190.4(BCAT2):c.761G>A (p.Trp254Ter)

Gene: BCAT2 (branched chain amino acid transaminase 2; minus strand). Cytogenetic location: 19q13.33.
Variant type: single nucleotide variant.
Coding change: c.761G>A on transcript NM_001190.4 (MANE Select); coding-DNA position 761, G replaced by A.
Protein change: p.Trp254Ter; replaces tryptophan 254 with a stop codon.
Molecular consequence: nonsense.
Genome position (GRCh38, 1-based): chr19:48,797,268, C>T on the plus strand (G>A on the coding strand, the complement: BCAT2 is on the minus strand). VCF-style: chr19-48797268-C-T. GRCh37 (hg19) VCF-style: chr19-49300525-C-T.
Other names: c.485G>A, p.Trp162Ter (NM_001164773.2); c.641G>A, p.Trp214Ter (NM_001284325.2); short protein forms W162*, W214*, W254*.
Identifiers: ClinVar variation 4850395 (VCV004850395.1).

ClinVar aggregate classification (germline): Likely pathogenic (1 of 4 stars; one submission).

Conditions:
Hypervalinemia and hyperleucine-isoleucinemia (HVLI). Also called: BRANCHED-CHAIN AMINOTRANSFERASE DEFICIENCY; Hypervalinemia or hyperleucine-isoleucinemia. Identifiers: MedGen C5394277, MONDO:0100058, OMIM 618850.

Submission:

First Genomix Gene Laboratory, Genetic Diagnostics Department
Classification: Likely pathogenic for Hypervalinemia and hyperleucine-isoleucinemia. Last evaluated: 2025-09-17. Review status: criteria provided, single submitter. Criteria: ACMG Guidelines, 2015. Collection method: clinical testing. Allele origin: germline. Inheritance: Autosomal recessive inheritance. Affected: no. Observed: 1 variant allele.